The following is an entry in ClinVar:

NM_201384.3(PLEC):c.7384C>T (p.Leu2462Phe)

Gene: PLEC (plectin; minus strand). Cytogenetic location: 8q24.3.
Variant type: single nucleotide variant.
Coding change: c.7384C>T on transcript NM_201384.3 (MANE Select); coding-DNA position 7384, C replaced by T.
Protein change: p.Leu2462Phe; replaces leucine 2462 with phenylalanine.
Molecular consequence: missense variant.
Genome position (GRCh38, 1-based): chr8:143,922,545, G>A on the plus strand (C>T on the coding strand, the complement: PLEC is on the minus strand). VCF-style: chr8-143922545-G-A. GRCh37 (hg19) VCF-style: chr8-144996713-G-A.
Other names: c.7465C>T, p.Leu2489Phe (NM_000445.5); c.7342C>T, p.Leu2448Phe (NM_201378.4); c.7318C>T, p.Leu2440Phe (NM_201379.3); c.7795C>T, p.Leu2599Phe (NM_201380.4); c.7288C>T, p.Leu2430Phe (NM_201381.3); c.7384C>T, p.Leu2462Phe (NM_201382.4); c.7396C>T, p.Leu2466Phe (NM_201383.3); short protein forms L2448F, L2489F, L2599F, L2430F, L2462F, L2466F, L2440F.
Identifiers: ClinVar variation 1980139 (VCV001980139.4), dbSNP rs781957718, ClinGen allele CA372525774.

ClinVar aggregate classification (germline): Uncertain significance (1 of 4 stars; one submission).

Conditions:
Epidermolysis bullosa simplex 5B, with muscular dystrophy (EBS5B). Also called: Epidermolysis bullosa simplex with muscular dystrophy; EPIDERMOLYSIS BULLOSA SIMPLEX AND LIMB-GIRDLE MUSCULAR DYSTROPHY. Identifiers: Orphanet 257, MedGen C2931072, MONDO:0009181, OMIM 226670.
Epidermolysis bullosa simplex, Ogna type (EBS5A). Also called: Pidermolysis bullosa simplex 5A, Ogna type; EPIDERMOLYSIS BULLOSA SIMPLEX 5A, OGNA TYPE. Identifiers: Orphanet 79401, MedGen C0432317, MONDO:0007555, OMIM 131950.
Epidermolysis bullosa simplex 5C, with pyloric atresia (EBS5C). Also called: Epidermolysis bullosa simplex with pyloric atresia; PLEC-Related Epidermolysis Bullosa with Pyloric Atresia; PLEC1-Related Epidermolysis Bullosa with Pyloric Atresia. Identifiers: Orphanet 158684, MedGen C2677349, MONDO:0012807, OMIM 612138.
Autosomal recessive limb-girdle muscular dystrophy type 2Q (LGMDR17). Also called: MUSCULAR DYSTROPHY, LIMB-GIRDLE, AUTOSOMAL RECESSIVE 17. Identifiers: Orphanet 254361, MedGen C3150989, MONDO:0013390, OMIM 613723.
Epidermolysis bullosa simplex with nail dystrophy (EBS5D). Identifiers: MedGen C4225309, MONDO:0014661, OMIM 616487.

Allele frequency attached by ClinVar (database versions not stated): gnomAD exomes below 0.00001; TOPMed below 0.00001.
gnomAD v4.1: 1 of 1,612,790 alleles (0.000062%); highest among the groups gnomAD compares: Non-Finnish European, 0.000085%; no homozygotes.

Submission:

Labcorp Genetics (formerly Invitae), Labcorp
Classification: Uncertain significance for Autosomal recessive limb-girdle muscular dystrophy type 2Q; Epidermolysis bullosa simplex, Ogna type; Epidermolysis bullosa simplex with nail dystrophy; Epidermolysis bullosa simplex 5C, with pyloric atresia; Epidermolysis bullosa simplex 5B, with muscular dystrophy. Last evaluated: 2025-09-14. Review status: criteria provided, single submitter. Criteria: Invitae Variant Classification Sherloc (09022015). Collection method: clinical testing. Allele origin: germline.
Comment: This sequence change replaces leucine, which is neutral and non-polar, with phenylalanine, which is neutral and non-polar, at codon 2489 of the PLEC protein (p.Leu2489Phe). This variant is not present in population databases (gnomAD no frequency). This variant has not been reported in the literature in individuals affected with PLEC-related conditions. ClinVar contains an entry for this variant (Variation ID: 1980139). An algorithm developed to predict the effect of missense changes on protein structure and function (PolyPhen-2) suggests that this variant is likely to be disruptive. In summary, the available evidence is currently insufficient to determine the role of this variant in disease. Therefore, it has been classified as a Variant of Uncertain Significance.